The following is an entry in ClinVar:

ClinVar aggregate classification (germline): Conflicting classifications of pathogenicity. Review status: criteria provided, conflicting classifications (1 of 4 stars). 3 submissions from 3 submitters: Uncertain significance (2); Likely benign (1). Last evaluated 2024-01-03.

Conditions:
Episodic pain syndrome, familial, 2 (FEPS2). Identifiers: Orphanet 306577, MedGen C3809893, MONDO:0014246, OMIM 615551.
Cardiovascular phenotype. Identifiers: MedGen CN230736.

gnomAD v4.1: 20 of 1,614,020 alleles (0.0012%); highest among the groups gnomAD compares: South Asian, 0.019%; no homozygotes.

Submissions (3):

Fulgent Genetics
Classification: Uncertain significance for Episodic pain syndrome, familial, 2. Last evaluated: 2024-01-03. Review status: criteria provided, single submitter. Criteria: ACMG Guidelines, 2015. Collection method: clinical testing. Allele origin: germline.

Ambry Genetics
Classification: Likely benign for Cardiovascular phenotype. Last evaluated: 2023-06-28. Review status: criteria provided, single submitter. Criteria: Ambry Variant Classification Scheme 2023. Collection method: clinical testing. Allele origin: germline.

GeneDx
Classification: Uncertain significance. Last evaluated: 2019-12-09. Review status: criteria provided, single submitter. Criteria: GeneDx Variant Classification Process June 2021. Collection method: clinical testing. Allele origin: germline. Affected: yes.
Comment: Has not been previously published as pathogenic or benign to our knowledge; In silico analysis, which includes protein predictors and evolutionary conservation, supports a deleterious effect

NM_006514.4(SCN10A):c.5023C>A (p.Pro1675Thr)

Gene: SCN10A (sodium voltage-gated channel alpha subunit 10; minus strand). Cytogenetic location: 3p22.2.
Variant type: single nucleotide variant.
Coding change: c.5023C>A on transcript NM_006514.4 (MANE Select); coding-DNA position 5023, C replaced by A.
Protein change: p.Pro1675Thr; replaces proline 1675 with threonine.
Molecular consequence: missense variant.
Genome position (GRCh38, 1-based): chr3:38,698,197, G>T on the plus strand (C>A on the coding strand, the complement: SCN10A is on the minus strand). VCF-style: chr3-38698197-G-T. GRCh37 (hg19) VCF-style: chr3-38739688-G-T.
Other names: c.5020C>A, p.Pro1674Thr (NM_001293306.2); c.4729C>A, p.Pro1577Thr (NM_001293307.2); short protein forms P1577T, P1674T, P1675T.
Identifiers: ClinVar variation 1310896 (VCV001310896.5), dbSNP rs758877832, ClinGen allele CA2319756.